The following is an entry in ClinVar:

ClinVar aggregate classification (germline): Uncertain significance (1 of 4 stars; one submission).

Conditions:
Emery-Dreifuss muscular dystrophy 5, autosomal dominant (EDMD5). Also called: EMERY-DREIFUSS MUSCULAR DYSTROPHY 5. Identifiers: Orphanet 261, MedGen C2751805, MONDO:0013072, OMIM 612999.

Allele frequency attached by ClinVar (database versions not stated): TOPMed 0.00001; ESP Exome Variant Server 0.00008.
gnomAD v4.1: 39 of 1,613,884 alleles (0.0024%); highest among the groups gnomAD compares: Non-Finnish European, 0.0029%; no homozygotes.

Submission:

Labcorp Genetics (formerly Invitae), Labcorp
Classification: Uncertain significance for Emery-Dreifuss muscular dystrophy 5, autosomal dominant. Last evaluated: 2022-08-23. Review status: criteria provided, single submitter. Criteria: Invitae Variant Classification Sherloc (09022015). Collection method: clinical testing. Allele origin: germline.
Comment: Algorithms developed to predict the effect of missense changes on protein structure and function output the following: SIFT: "Tolerated"; PolyPhen-2: "Benign"; Align-GVGD: "Class C0". The valine amino acid residue is found in multiple mammalian species, which suggests that this missense change does not adversely affect protein function. This sequence change replaces alanine, which is neutral and non-polar, with valine, which is neutral and non-polar, at codon 833 of the SYNE2 protein (p.Ala833Val). This variant is present in population databases (rs200503488, gnomAD 0.006%). This variant has not been reported in the literature in individuals affected with SYNE2-related conditions. ClinVar contains an entry for this variant (Variation ID: 1045452). In summary, the available evidence is currently insufficient to determine the role of this variant in disease. Therefore, it has been classified as a Variant of Uncertain Significance.

NM_182914.3(SYNE2):c.2498C>T (p.Ala833Val)

Gene: SYNE2 (spectrin repeat containing nuclear envelope protein 2; plus strand). Cytogenetic location: 14q23.2.
Variant type: single nucleotide variant.
Coding change: c.2498C>T on transcript NM_182914.3 (MANE Select); coding-DNA position 2498, C replaced by T.
Protein change: p.Ala833Val; replaces alanine 833 with valine.
Molecular consequence: missense variant.
Genome position (GRCh38, 1-based): chr14:63,990,967, C>T. VCF-style: chr14-63990967-C-T. GRCh37 (hg19) VCF-style: chr14-64457685-C-T.
Other names: c.2498C>T, p.Ala833Val (NM_015180.6); short protein forms A833V.
Identifiers: ClinVar variation 1045452 (VCV001045452.8), dbSNP rs200503488, ClinGen allele CA7219719.